The following is an entry in ClinVar:

NM_002941.4(ROBO1):c.2744G>C (p.Ser915Thr)

Gene: ROBO1 (roundabout guidance receptor 1; minus strand). Cytogenetic location: 3p12.3.
Variant type: single nucleotide variant.
Coding change: c.2744G>C on transcript NM_002941.4 (MANE Select); coding-DNA position 2744, G replaced by C.
Protein change: p.Ser915Thr; replaces serine 915 with threonine.
Molecular consequence: missense variant.
Genome position (GRCh38, 1-based): chr3:78,651,800, C>G on the plus strand (G>C on the coding strand, the complement: ROBO1 is on the minus strand). VCF-style: chr3-78651800-C-G. GRCh37 (hg19) VCF-style: chr3-78700950-C-G.
Other names: c.2636G>C, p.Ser879Thr (NM_001145845.2, NM_133631.4); short protein forms S915T, S879T.
Identifiers: ClinVar variation 4629248 (VCV004629248.2).
Genomic context (GRCh38, chr3:78,651,800, plus strand): 5'-ATACCCGCGTAGGTACTAGTAAGTCCGTTTCTCTTCTTGCGGTGTCGATAAAGCCAGATG[C>G]TGAAGACCATGAGGATGATCCAACAGGCTGCTCCAATACCTGCTATGAAGGCCGGCTGCT-3'
Protein context (NP_002932.1, residues 905-925): AACWIILMVF[Ser915Thr]IWLYRHRKKR

ClinVar aggregate classification (germline): Uncertain significance. Review status: criteria provided, multiple submitters, no conflicts (2 of 4 stars). 2 submissions from 2 submitters: Uncertain significance (2). Last evaluated 2025-12-02.

Conditions:
Inborn genetic diseases. Identifiers: MedGen C0950123, MeSH D030342.

gnomAD v4.1: 42 of 1,613,676 alleles (0.0026%); highest among the groups gnomAD compares: African/African-American, 0.039%; no homozygotes.

Submissions (2):

Labcorp Genetics (formerly Invitae), Labcorp
Classification: Uncertain significance. Last evaluated: 2025-12-02. Review status: criteria provided, single submitter. Criteria: Invitae Variant Classification Sherloc (09022015). Collection method: clinical testing. Allele origin: germline.
Comment: This sequence change replaces serine, which is neutral and polar, with threonine, which is neutral and polar, at codon 915 of the ROBO1 protein (p.Ser915Thr). This variant is present in population databases (rs372709846, gnomAD 0.02%). This variant has not been reported in the literature in individuals affected with ROBO1-related conditions. An algorithm developed to predict the effect of missense changes on protein structure and function (PolyPhen-2) suggests that this variant is likely to be disruptive. In summary, the available evidence is currently insufficient to determine the role of this variant in disease. Therefore, it has been classified as a Variant of Uncertain Significance.

Ambry Genetics
Classification: Uncertain significance for Inborn genetic diseases. Last evaluated: 2025-10-29. Review status: criteria provided, single submitter. Criteria: Ambry Variant Classification Scheme 2023. Collection method: clinical testing. Allele origin: germline.